The following is an entry in ClinVar:

NM_000719.7(CACNA1C):c.2396C>A (p.Ser799Tyr)

Gene: CACNA1C (calcium voltage-gated channel subunit alpha1 C; plus strand). Cytogenetic location: 12p13.33.
Variant type: single nucleotide variant.
Coding change: c.2396C>A on transcript NM_000719.7 (MANE Select); coding-DNA position 2396, C replaced by A.
Protein change: p.Ser799Tyr; replaces serine 799 with tyrosine.
Molecular consequence: missense variant.
Genome position (GRCh38, 1-based): chr12:2,585,432, C>A. VCF-style: chr12-2585432-C-A. GRCh37 (hg19) VCF-style: chr12-2694598-C-A.
Other names: c.2396C>A, p.Ser799Tyr (NM_001129827.2, NM_001129829.2, NM_001129830.3 and 18 more transcripts); c.2387C>A, p.Ser796Tyr (NM_001129844.2); short protein forms S799Y, S796Y.
Identifiers: ClinVar variation 93397 (VCV000093397.25), dbSNP rs398123519, ClinGen allele CA221281.

ClinVar aggregate classification (germline): Conflicting classifications of pathogenicity. Review status: criteria provided, conflicting classifications (1 of 4 stars). 6 submissions from 6 submitters: Uncertain significance (5); Likely benign (1). Last evaluated 2026-02-12.

Conditions:
Timothy syndrome (TS). Also called: LONG QT SYNDROME WITH SYNDACTYLY. Identifiers: Orphanet 65283, MedGen C1832916, MeSH C536962, MONDO:0010979, OMIM 601005.
Brugada syndrome 3 (BRGDA3). Identifiers: Orphanet 130, MedGen C2678478, MONDO:0012742, OMIM 611875.
Long QT syndrome 8. Identifiers: MedGen CN260585, MONDO:0032756, OMIM 618447.
CACNA1C-related disorder. Also called: CACNA1C-related condition; CACNA1C-related disorders. Identifiers: MedGen CN381092, MONDO:0700321.
Cardiovascular phenotype. Identifiers: MedGen CN230736.
Long QT syndrome (LQTS). Identifiers: MedGen C0023976, MeSH D008133, MONDO:0002442. Disease mechanism: loss of function. Inheritance: Various modes of inheritance.

Allele frequency attached by ClinVar (database versions not stated): gnomAD exomes 0.00002; ExAC 0.00003; TOPMed 0.00003; gnomAD 0.00003.
gnomAD v4.1: 38 of 1,606,980 alleles (0.0024%); highest among the groups gnomAD compares: Middle Eastern, 0.017%; no homozygotes.

Submissions (6):

PreventionGenetics, part of Exact Sciences
Classification: Uncertain significance for CACNA1C-related condition. Last evaluated: 2026-02-12. Review status: criteria provided, single submitter. Criteria: ACMG Guidelines, 2015. Collection method: clinical testing. Allele origin: germline.
Comment: The CACNA1C c.2396C>A variant is predicted to result in the amino acid substitution p.Ser799Tyr. This variant has been reported in an individual with long QT syndrome; however, this individual also carried a rare missense variant in KCNQ1 (Table S1, Burns et al. 2016. PubMed ID: 27920829). This variant is reported in 0.0033% of alleles in individuals of European (Non-Finnish) descent in gnomAD. At this time, the clinical significance of this variant is uncertain due to the absence of conclusive functional and genetic evidence.

CeGaT Center for Human Genetics Tuebingen
Classification: Uncertain significance. Last evaluated: 2025-06-01. Review status: criteria provided, single submitter. Criteria: CeGaT Center For Human Genetics Tuebingen Variant Classification Criteria Version 2. Collection method: clinical testing. Allele origin: germline. Affected: yes. Observed: 1 variant allele.

Ambry Genetics
Classification: Likely benign for Cardiovascular phenotype. Last evaluated: 2024-07-17. Review status: criteria provided, single submitter. Criteria: Ambry Variant Classification Scheme 2023. Collection method: clinical testing. Allele origin: germline.

Labcorp Genetics (formerly Invitae), Labcorp
Classification: Uncertain significance for Long QT syndrome. Last evaluated: 2023-12-22. Review status: criteria provided, single submitter. Criteria: Invitae Variant Classification Sherloc (09022015). Collection method: clinical testing. Allele origin: germline.
Comment: This sequence change replaces serine, which is neutral and polar, with tyrosine, which is neutral and polar, at codon 799 of the CACNA1C protein (p.Ser799Tyr). This variant is present in population databases (rs398123519, gnomAD 0.002%). This missense change has been observed in individual(s) with long QT syndrome (PMID: 27920829). ClinVar contains an entry for this variant (Variation ID: 93397). Advanced modeling of protein sequence and biophysical properties (such as structural, functional, and spatial information, amino acid conservation, physicochemical variation, residue mobility, and thermodynamic stability) performed at Invitae indicates that this missense variant is not expected to disrupt CACNA1C protein function with a negative predictive value of 95%. In summary, the available evidence is currently insufficient to determine the role of this variant in disease. Therefore, it has been classified as a Variant of Uncertain Significance.

Fulgent Genetics
Classification: Uncertain significance for Timothy syndrome; Brugada syndrome 3; Long QT syndrome 8. Last evaluated: 2021-10-14. Review status: criteria provided, single submitter. Criteria: ACMG Guidelines, 2015. Collection method: clinical testing. Allele origin: unknown.

Eurofins Ntd Llc (ga)
Classification: Uncertain significance. Last evaluated: 2013-02-14. Review status: criteria provided, single submitter. Criteria: EGL Classification Definitions 2015. Collection method: clinical testing. Allele origin: germline. Observed: 1 variant allele, 1 heterozygote.

Literature cited by the submitters: PubMed 28518168 (cited by Ambry Genetics); PubMed 32461654 (cited by Ambry Genetics); PubMed 27920829 (cited by Labcorp Genetics (formerly Invitae), Labcorp).